The following is an entry in ClinVar:

ClinVar aggregate classification (germline): Benign/Likely benign. Review status: criteria provided, multiple submitters, no conflicts (2 of 4 stars). 11 submissions from 11 submitters: Benign (5); Likely benign (3). 3 of the submissions do not count toward it. Last evaluated 2026-04-01.

Conditions:
Donnai-Barrow syndrome. Also called: FACIOOCULOACOUSTICORENAL SYNDROME; DBS/FOAR SYNDROME. Identifiers: Orphanet 2143, MedGen C1857277, MONDO:0009104, OMIM 222448.

Allele frequency attached by ClinVar (database versions not stated): 1000 Genomes Project 30x 0.00531; 1000 Genomes Project 0.00579; TOPMed 0.01157; gnomAD 0.01191 and 0.01196; ESP Exome Variant Server 0.01338; ExAC 0.01577.
gnomAD v4.1: 27,547 of 1,614,114 alleles (1.7%); highest among the groups gnomAD compares: Middle Eastern, 3%; 290 homozygotes.

Submissions (11):

CeGaT Center for Human Genetics Tuebingen
Classification: Benign. Last evaluated: 2026-04-01. Review status: criteria provided, single submitter. Criteria: CeGaT Center For Human Genetics Tuebingen Variant Classification Criteria Version 2. Collection method: clinical testing. Allele origin: germline. Affected: yes. Observed: 55 variant alleles.
Comment: LRP2: BS1, BS2

Labcorp Genetics (formerly Invitae), Labcorp
Classification: Benign. Last evaluated: 2026-02-04. Review status: criteria provided, single submitter. Criteria: Invitae Variant Classification Sherloc (09022015). Collection method: clinical testing. Allele origin: germline.

Mayo Clinic Laboratories, Mayo Clinic
Classification: Benign. Last evaluated: 2025-05-12. Review status: criteria provided, single submitter. Criteria: ACMG Guidelines, 2015. Collection method: clinical testing. Allele origin: germline. Observed: 1 variant allele.
Comment: BA1, BS2

Women's Health and Genetics/Laboratory Corporation of America, LabCorp
Classification: Likely benign. Last evaluated: 2021-12-10. Review status: criteria provided, single submitter. Criteria: LabCorp Variant Classification Summary - May 2015. Collection method: clinical testing. Allele origin: germline.

Genome-Nilou Lab
Classification: Benign for Donnai-Barrow syndrome. Last evaluated: 2021-07-15. Review status: criteria provided, single submitter. Criteria: ACMG Guidelines, 2015. Collection method: clinical testing. Allele origin: germline. Affected: no.

GeneDx
Classification: Likely benign. Last evaluated: 2021-05-05. Review status: criteria provided, single submitter. Criteria: GeneDx Variant Classification Process June 2021. Collection method: clinical testing. Allele origin: germline. Affected: yes.
Comment: See Variant Classification Assertion Criteria.

Illumina Laboratory Services, Illumina
Classification: Benign for Donnai-Barrow syndrome. Last evaluated: 2018-01-13. Review status: criteria provided, single submitter. Criteria: ICSL Variant Classification Criteria 13 December 2019. Collection method: clinical testing. Allele origin: germline.
Comment: This variant was observed in the ICSL laboratory as part of a predisposition screen in an ostensibly healthy population. It had not been previously curated by ICSL or reported in the Human Gene Mutation Database (HGMD: prior to June 1st, 2018), and was therefore a candidate for classification through an automated scoring system. Utilizing variant allele frequency, disease prevalence and penetrance estimates, and inheritance mode, an automated score was calculated to assess if this variant is too frequent to cause the disease. Based on the score and internal cut-off values, a variant classified as benign is not then subjected to further curation. The score for this variant resulted in a classification of benign for this disease.

Breakthrough Genomics
Classification: Likely benign. Review status: criteria provided, single submitter. Criteria: ACMG Guidelines, 2015. Collection method: not provided. Allele origin: germline. Inheritance: Autosomal recessive inheritance. Affected: yes.

Genetic Services Laboratory, University of Chicago
Classification: Likely benign for AllHighlyPenetrant. Review status: no assertion criteria provided. Collection method: clinical testing. Allele origin: germline. Inheritance: Autosomal recessive inheritance. Not counted in ClinVar's aggregate classification.
Comment: Likely benign based on allele frequency in 1000 Genomes Project or ESP global frequency and its presence in a patient with a rare or unrelated disease phenotype. NOT Sanger confirmed.

Joint Genome Diagnostic Labs from Nijmegen and Maastricht, Radboudumc and MUMC+
Classification: Benign. Review status: no assertion criteria provided. Collection method: clinical testing. Allele origin: germline. Affected: yes. Study: VKGL Data-share Consensus. Not counted in ClinVar's aggregate classification.

Laboratory of Diagnostic Genome Analysis, Leiden University Medical Center (LUMC)
Classification: Likely benign. Review status: no assertion criteria provided. Collection method: clinical testing. Allele origin: germline. Affected: yes. Study: VKGL Data-share Consensus. Not counted in ClinVar's aggregate classification.

Literature cited by the submitters: PubMed 27884173 (cited by Mayo Clinic Laboratories, Mayo Clinic).

NM_004525.3(LRP2):c.13250G>A (p.Gly4417Asp)

Gene: LRP2 (LDL receptor related protein 2; minus strand). Cytogenetic location: 2q31.1.
Variant type: single nucleotide variant.
Coding change: c.13250G>A on transcript NM_004525.3 (MANE Select); coding-DNA position 13250, G replaced by A.
Protein change: p.Gly4417Asp; replaces glycine 4417 with aspartic acid.
Molecular consequence: missense variant.
Genome position (GRCh38, 1-based): chr2:169,139,560, C>T on the plus strand (G>A on the coding strand, the complement: LRP2 is on the minus strand). VCF-style: chr2-169139560-C-T. GRCh37 (hg19) VCF-style: chr2-169996070-C-T.
Other names: p.Gly4417Asp; short protein forms G4417D.
Identifiers: ClinVar variation 129505 (VCV000129505.55), dbSNP rs41268685, ClinGen allele CA153558.